The following is an entry in ClinVar:

ClinVar aggregate classification (germline): Uncertain significance. Review status: criteria provided, multiple submitters, no conflicts (2 of 4 stars). 2 submissions from 2 submitters: Uncertain significance (2). Last evaluated 2025-10-09.

Conditions:
Long QT syndrome (LQTS). Identifiers: MedGen C0023976, MeSH D008133, MONDO:0002442. Disease mechanism: loss of function. Inheritance: Various modes of inheritance.
Cardiovascular phenotype. Identifiers: MedGen CN230736.

gnomAD v4.1: 11 of 1,613,942 alleles (0.00068%); highest among the groups gnomAD compares: African/African-American, 0.008%; no homozygotes.

Submissions (2):

Labcorp Genetics (formerly Invitae), Labcorp
Classification: Uncertain significance for Long QT syndrome. Last evaluated: 2025-10-09. Review status: criteria provided, single submitter. Criteria: Invitae Variant Classification Sherloc (09022015). Collection method: clinical testing. Allele origin: germline.
Comment: This sequence change replaces glycine, which is neutral and non-polar, with alanine, which is neutral and non-polar, at codon 1530 of the ANK2 protein (p.Gly1530Ala). The frequency data for this variant in the population databases is considered unreliable, as metrics indicate poor data quality at this position in the gnomAD database. This variant has not been reported in the literature in individuals affected with ANK2-related conditions. ClinVar contains an entry for this variant (Variation ID: 3539086). An algorithm developed to predict the effect of missense changes on protein structure and function (PolyPhen-2) suggests that this variant is likely to be tolerated. In summary, the available evidence is currently insufficient to determine the role of this variant in disease. Therefore, it has been classified as a Variant of Uncertain Significance.

Ambry Genetics
Classification: Uncertain significance for Cardiovascular phenotype. Last evaluated: 2024-10-07. Review status: criteria provided, single submitter. Criteria: Ambry Variant Classification Scheme 2023. Collection method: clinical testing. Allele origin: germline.
Comment: The p.G1530A variant (also known as c.4589G>C), located in coding exon 38 of the ANK2 gene, results from a G to C substitution at nucleotide position 4589. The glycine at codon 1530 is replaced by alanine, an amino acid with similar properties. This amino acid position is conserved. In addition, this alteration is predicted to be tolerated by in silico analysis. Based on the available evidence, the clinical significance of this variant remains unclear.

NM_001148.6(ANK2):c.4589G>C (p.Gly1530Ala)

Gene: ANK2 (ankyrin 2; plus strand). Cytogenetic location: 4q26.
Variant type: single nucleotide variant.
Coding change: c.4589G>C on transcript NM_001148.6 (MANE Select); coding-DNA position 4589, G replaced by C.
Protein change: p.Gly1530Ala; replaces glycine 1530 with alanine.
Molecular consequence: missense variant. On other transcripts: intron variant (68).
Genome position (GRCh38, 1-based): chr4:113,353,207, G>C. VCF-style: chr4-113353207-G-C. GRCh37 (hg19) VCF-style: chr4-114274363-G-C.
Other names: c.4355G>C, p.Gly1452Ala (NM_001386142.1); c.989G>C, p.Gly330Ala (NM_001386166.1); c.4730G>C, p.Gly1577Ala (NM_001386174.1); c.4706G>C, p.Gly1569Ala (NM_001386175.1); c.4411+2958G>C (NM_001386186.2, NM_001386148.2); c.4213+2958G>C (NM_001354269.3); c.4291+2958G>C (NM_001386187.2); c.4252+2958G>C (NM_001386147.1); and 35 more; short protein forms G1569A, G1577A, G1452A, G1530A, G330A.
Identifiers: ClinVar variation 3539086 (VCV003539086.2).